The following is an entry in ClinVar:

ClinVar aggregate classification (germline): Uncertain significance (1 of 4 stars; one submission).

Conditions:
Dilated cardiomyopathy 1G (CMD1G). Identifiers: Orphanet 154, MedGen C1858763, MONDO:0011400, OMIM 604145.
Autosomal recessive limb-girdle muscular dystrophy type 2J (LGMDR10). Also called: Limb-girdle muscular dystrophy, type 2J; MUSCULAR DYSTROPHY, LIMB-GIRDLE, AUTOSOMAL RECESSIVE 10. Identifiers: Orphanet 140922, MedGen C1837342, MONDO:0012127, OMIM 608807.

gnomAD v4.1: 1 of 1,612,974 alleles (0.000062%); highest among the groups gnomAD compares: Non-Finnish European, 0.000085%; no homozygotes.

Submission:

Labcorp Genetics (formerly Invitae), Labcorp
Classification: Uncertain significance for Dilated cardiomyopathy 1G; Autosomal recessive limb-girdle muscular dystrophy type 2J. Last evaluated: 2025-08-05. Review status: criteria provided, single submitter. Criteria: Invitae Variant Classification Sherloc (09022015). Collection method: clinical testing. Allele origin: germline.
Comment: This sequence change replaces threonine, which is neutral and polar, with arginine, which is basic and polar, at codon 17620 of the TTN protein (p.Thr17620Arg). This variant is not present in population databases (gnomAD no frequency). This variant has not been reported in the literature in individuals affected with TTN-related conditions. ClinVar contains an entry for this variant (Variation ID: 565554). Experimental studies and prediction algorithms are not available or were not evaluated, and the functional significance of this variant is currently unknown. This variant is located in the A band of TTN (PMID: 25589632). Variants in this region may be relevant for cardiac or neuromuscular disorders (PMID: 25589632, 23975875). In summary, the available evidence is currently insufficient to determine the role of this variant in disease. Therefore, it has been classified as a Variant of Uncertain Significance.

Literature cited by the submitters: PubMed 25589632; PubMed 23975875.

NM_001267550.2(TTN):c.52859C>G (p.Thr17620Arg)

Genes: TTN-AS1 (TTN antisense RNA 1; plus strand), TTN (titin; minus strand), LOC126806425 (BRD4-independent group 4 enhancer GRCh37_chr2:179471933-179473132; plus strand). Cytogenetic location: 2q31.2.
Variant type: single nucleotide variant.
Coding change: c.52859C>G on transcript NM_001267550.2 (MANE Select); coding-DNA position 52859, C replaced by G.
Protein change: p.Thr17620Arg; replaces threonine 17620 with arginine.
Molecular consequence: missense variant.
Genome position (GRCh38, 1-based): chr2:178,607,928, G>C on the plus strand (C>G on the coding strand, the complement: TTN is on the minus strand). VCF-style: chr2-178607928-G-C. GRCh37 (hg19) VCF-style: chr2-179472655-G-C.
Other names: c.47936C>G, p.Thr15979Arg (NM_001256850.1); c.25664C>G, p.Thr8555Arg (NM_003319.4); c.45155C>G, p.Thr15052Arg (NM_133378.4); c.26039C>G, p.Thr8680Arg (NM_133432.3); c.26240C>G, p.Thr8747Arg (NM_133437.4); short protein forms T17620R, T15979R, T8747R, T8680R, T15052R, T8555R.
Identifiers: ClinVar variation 565554 (VCV000565554.9), dbSNP rs1559743128, ClinGen allele CA349570236.